The following is an entry in ClinVar:

NM_007254.4(PNKP):c.816G>A (p.Gln272=)

Gene: PNKP (polynucleotide kinase 3'-phosphatase; minus strand). Cytogenetic location: 19q13.33.
Variant type: single nucleotide variant.
Coding change: c.816G>A on transcript NM_007254.4 (MANE Select); coding-DNA position 816, G replaced by A.
Protein change: p.Gln272=; no amino-acid change (glutamine 272 retained).
Molecular consequence: synonymous variant.
Genome position (GRCh38, 1-based): chr19:49,863,689, C>T on the plus strand (G>A on the coding strand, the complement: PNKP is on the minus strand). VCF-style: chr19-49863689-C-T. GRCh37 (hg19) VCF-style: chr19-50366946-C-T.
Identifiers: ClinVar variation 1449548 (VCV001449548.4), dbSNP rs534099292, ClinGen allele CA9586796.
Genomic context (GRCh38, chr19:49,863,689, plus strand): 5'-CCAGGAGTGAGGGGCTGGAGTGAGGAAAAGGAGGGGGGCCGGGCAGGCTGCAAGACTCAC[C>T]TGCTCCTGCAGATGGTCCCACATGCCCGTCACCGGCTTCCGGTACAAGCCTGCGTGCGTG-3'
Protein context (NP_009185.2, residues 262-282): VTGMWDHLQE[Gln272=]ANDGTPISIG

ClinVar aggregate classification (germline): Uncertain significance (1 of 4 stars; one submission).

Conditions:
Developmental and epileptic encephalopathy, 12 (DEE12). Identifiers: MedGen C3150988, MONDO:0013389, OMIM 613722.

Allele frequency attached by ClinVar (database versions not stated): gnomAD exomes 0.00001; TOPMed 0.00001; gnomAD 0.00002 and 0.00003; ExAC 0.00005; 1000 Genomes Project 30x 0.00016; 1000 Genomes Project 0.00020.
gnomAD v4.1: 19 of 1,552,976 alleles (0.0012%); highest among the groups gnomAD compares: Admixed American, 0.002%; no homozygotes.

Submission:

Labcorp Genetics (formerly Invitae), Labcorp
Classification: Uncertain significance for Developmental and epileptic encephalopathy, 12. Last evaluated: 2022-08-09. Review status: criteria provided, single submitter. Criteria: Invitae Variant Classification Sherloc (09022015). Collection method: clinical testing. Allele origin: germline.
Comment: This sequence change affects codon 272 of the PNKP mRNA. It is a 'silent' change, meaning that it does not change the encoded amino acid sequence of the PNKP protein. This variant also falls at the last nucleotide of exon 8, which is part of the consensus splice site for this exon. This variant is present in population databases (rs534099292, gnomAD 0.004%). In summary, the available evidence is currently insufficient to determine the role of this variant in disease. Therefore, it has been classified as a Variant of Uncertain Significance. Variants that disrupt the consensus splice site are a relatively common cause of aberrant splicing (PMID: 17576681, 9536098). Algorithms developed to predict the effect of sequence changes on RNA splicing suggest that this variant is not likely to affect RNA splicing. ClinVar contains an entry for this variant (Variation ID: 1449548). This variant has not been reported in the literature in individuals affected with PNKP-related conditions.

Literature cited by the submitters: PubMed 17576681; PubMed 9536098.